The following is an entry in ClinVar:

ClinVar aggregate classification (germline): Likely benign (1 of 4 stars; one submission).

Submission:

CeGaT Center for Human Genetics Tuebingen
Classification: Likely benign. Last evaluated: 2022-03-01. Review status: criteria provided, single submitter. Criteria: CeGaT Center For Human Genetics Tuebingen Variant Classification Criteria Version 2. Collection method: clinical testing. Allele origin: germline. Affected: yes. Observed: 1 variant allele.
Comment: TTN: PM2:Supporting, BP4, BP7

NM_001267550.2(TTN):c.39174G>T (p.Val13058=)

Gene: TTN (titin; minus strand). Cytogenetic location: 2q31.2.
Variant type: single nucleotide variant.
Coding change: c.39174G>T on transcript NM_001267550.2 (MANE Select); coding-DNA position 39174, G replaced by T.
Protein change: p.Val13058=; no amino-acid change (valine 13058 retained).
Molecular consequence: synonymous variant. On other transcripts: intron variant (3).
Genome position (GRCh38, 1-based): chr2:178,652,301, C>A on the plus strand (G>T on the coding strand, the complement: TTN is on the minus strand). VCF-style: chr2-178652301-C-A. GRCh37 (hg19) VCF-style: chr2-179517028-C-A.
Other names: c.34653G>T, p.Val11551= (NM_001256850.1); c.31872G>T, p.Val10624= (NM_133378.4); c.13283-9984G>T (NM_003319.4); c.13859-9984G>T (NM_133437.4); c.13658-9984G>T (NM_133432.3).
Identifiers: ClinVar variation 1675822 (VCV001675822.33), dbSNP rs2154250528, ClinGen allele CA430278016.